The following is an entry in ClinVar:

NM_005273.4(GNB2):c.89T>C (p.Leu30Pro)

Gene: GNB2 (G protein subunit beta 2; plus strand). Cytogenetic location: 7q22.1.
Variant type: single nucleotide variant.
Coding change: c.89T>C on transcript NM_005273.4 (MANE Select); coding-DNA position 89, T replaced by C.
Protein change: p.Leu30Pro; replaces leucine 30 with proline.
Molecular consequence: missense variant.
Genome position (GRCh38, 1-based): chr7:100,676,566, T>C. VCF-style: chr7-100676566-T-C. GRCh37 (hg19) VCF-style: chr7-100274189-T-C.
Other names: short protein forms L30P.
Identifiers: ClinVar variation 4536333 (VCV004536333.1).

ClinVar aggregate classification (germline): Uncertain significance (1 of 4 stars; one submission).

Submission:

GeneDx
Classification: Uncertain significance. Last evaluated: 2025-06-03. Review status: criteria provided, single submitter. Criteria: GeneDx Variant Classification Process June 2021. Collection method: clinical testing. Allele origin: germline. Affected: yes.
Comment: Not observed at significant frequency in large population cohorts (gnomAD); In silico analysis supports that this missense variant has a deleterious effect on protein structure/function; Has not been previously published as pathogenic or benign to our knowledge